The following is an entry in ClinVar:

ClinVar aggregate classification (germline): Uncertain significance. Review status: criteria provided, multiple submitters, no conflicts (2 of 4 stars). 2 submissions from 2 submitters: Uncertain significance (2). Last evaluated 2026-08-15.

Conditions:
Hereditary cancer-predisposing syndrome. Also called: Tumor predisposition; Hereditary Cancer Syndrome; Hereditary neoplastic syndrome; Neoplastic Syndromes, Hereditary. Identifiers: Orphanet 140162, MedGen C0027672, MeSH D009386, MONDO:0015356.
POLD1-related polyposis and colorectal cancer syndrome (CRCS10). Also called: Colorectal cancer 10; Colorectal cancer, susceptibility to, 10; COLORECTAL CANCER, SUSCEPTIBILITY TO, ON CHROMOSOME 19q. Identifiers: Orphanet 220460, MedGen C2675481, MONDO:0012953, OMIM 612591.

Submissions (2):

Ambry Genetics
Classification: Uncertain significance for Hereditary cancer-predisposing syndrome. Last evaluated: 2026-08-15. Review status: criteria provided, single submitter. Criteria: Ambry Variant Classification Scheme 2023. Collection method: clinical testing. Allele origin: germline.
Comment: The p.E1105Q variant (also known as c.3313G>C), located in coding exon 26 of the POLD1 gene, results from a G to C substitution at nucleotide position 3313. The glutamic acid at codon 1105 is replaced by glutamine, an amino acid with highly similar properties. This amino acid position is conserved. In addition, this alteration is predicted to be tolerated by in silico analysis. Based on the available evidence, the clinical significance of this variant remains unclear.

Labcorp Genetics (formerly Invitae), Labcorp
Classification: Uncertain significance for POLD1-related polyposis and colorectal cancer syndrome. Last evaluated: 2020-08-20. Review status: criteria provided, single submitter. Criteria: Invitae Variant Classification Sherloc (09022015). Collection method: clinical testing. Allele origin: germline.
Comment: In summary, the available evidence is currently insufficient to determine the role of this variant in disease. Therefore, it has been classified as a Variant of Uncertain Significance. Algorithms developed to predict the effect of missense changes on protein structure and function are either unavailable or do not agree on the potential impact of this missense change (SIFT: "Tolerated"; PolyPhen-2: "Probably Damaging"; Align-GVGD: "Class C0"). This sequence change replaces glutamic acid with glutamine at codon 1105 of the POLD1 protein (p.Glu1105Gln). The glutamic acid residue is weakly conserved and there is a small physicochemical difference between glutamic acid and glutamine. This variant is not present in population databases (ExAC no frequency). This variant has not been reported in the literature in individuals with POLD1-related conditions.

NM_002691.4(POLD1):c.3313G>C (p.Glu1105Gln)

Gene: POLD1 (DNA polymerase delta 1, catalytic subunit; plus strand). Cytogenetic location: 19q13.33.
Variant type: single nucleotide variant.
Coding change: c.3313G>C on transcript NM_002691.4 (MANE Select); coding-DNA position 3313, G replaced by C.
Protein change: p.Glu1105Gln; replaces glutamic acid 1105 with glutamine.
Molecular consequence: missense variant. On other transcripts: non-coding transcript variant (1).
Genome position (GRCh38, 1-based): chr19:50,417,936, G>C. VCF-style: chr19-50417936-G-C. GRCh37 (hg19) VCF-style: chr19-50921193-G-C.
Other names: c.3313G>C, p.Glu1105Gln (NM_001256849.1); c.3391G>C, p.Glu1131Gln (NM_001308632.1); c.3313G>C (NM_002691.2); short protein forms E1105Q, E1131Q.
Identifiers: ClinVar variation 999325 (VCV000999325.9), dbSNP rs2039398075, ClinGen allele CA406987892.
Genomic context (GRCh38, chr19:50,417,936, plus strand): 5'-GTGCGGAAGGACCTGGAAGACCAGGAGCAGCTCCTGCGGCGCTTCGGACCCCCTGGACCT[G>C]AGGCCTGGTGACCTTGCAAGCATCCCATGGGGCGGGGGCGGGACCAGGGAGAATTAATAA-3'
Protein context (NP_002682.2, residues 1095-1107): LLRRFGPPGP[Glu1105Gln]AW